The following is an entry in ClinVar:

ClinVar aggregate classification (germline): Likely benign. Review status: criteria provided, multiple submitters, no conflicts (2 of 4 stars). 4 submissions from 4 submitters: Likely benign (3). 1 of the submissions does not count toward it. Last evaluated 2026-02-02.

Conditions:
EIF2B5-related disorder. Also called: EIF2B5-related condition.
Vanishing white matter disease. Also called: CACH syndrome; Childhood ataxia with diffuse central nervous system hypomyelination; Leukoencephalopathy with vanishing white matter; CACH/VWM syndrome; Cree leukoencehalopathy. Identifiers: Orphanet 135, Orphanet 99853, MedGen C1858991, MONDO:0800448.

Allele frequency attached by ClinVar (database versions not stated): ExAC 0.00006; 1000 Genomes Project 30x 0.00016; 1000 Genomes Project 0.00020; ESP Exome Variant Server 0.00023; gnomAD 0.00030 and 0.00035; TOPMed 0.00032.
gnomAD v4.1: 100 of 1,614,154 alleles (0.0062%); highest among the groups gnomAD compares: African/African-American, 0.11%; no homozygotes.

Submissions (4):

Labcorp Genetics (formerly Invitae), Labcorp
Classification: Likely benign. Last evaluated: 2026-02-02. Review status: criteria provided, single submitter. Criteria: Invitae Variant Classification Sherloc (09022015). Collection method: clinical testing. Allele origin: germline.

PreventionGenetics, part of Exact Sciences
Classification: Likely benign for EIF2B5-related condition. Last evaluated: 2026-01-22. Review status: criteria provided, single submitter. Criteria: ACMG Guidelines, 2015. Collection method: clinical testing. Allele origin: germline.
Comment: This variant is classified as likely benign based on ACMG/AMP sequence variant interpretation guidelines (Richards et al. 2015 PMID: 25741868, with internal and published modifications).

Blueprint Genetics
Classification: Likely benign. Last evaluated: 2021-04-23. Review status: criteria provided, single submitter. Criteria: ACMG Guidelines, 2015. Collection method: clinical testing. Allele origin: germline.

Natera, Inc.
Classification: Likely benign for Leukoencephalopathy with vanishing white matter. Last evaluated: 2020-09-16. Review status: no assertion criteria provided. Collection method: clinical testing. Allele origin: germline. Not counted in ClinVar's aggregate classification.

NM_003907.3(EIF2B5):c.966C>G (p.Thr322=)

Gene: EIF2B5 (eukaryotic translation initiation factor 2B subunit epsilon; plus strand). Cytogenetic location: 3q27.1.
Variant type: single nucleotide variant.
Coding change: c.966C>G on transcript NM_003907.3 (MANE Select); coding-DNA position 966, C replaced by G.
Protein change: p.Thr322=; no amino-acid change (threonine 322 retained).
Molecular consequence: synonymous variant.
Genome position (GRCh38, 1-based): chr3:184,140,540, C>G. VCF-style: chr3-184140540-C-G. GRCh37 (hg19) VCF-style: chr3-183858328-C-G.
Identifiers: ClinVar variation 757548 (VCV000757548.14), dbSNP rs145535476, ClinGen allele CA2726560.
Genomic context (GRCh38, chr3:184,140,540, plus strand): 5'-CCTACACATGTACTCAGCTGTCTGTGCTGACGTCATCCGCCGATGGGTCTACCCTCTCAC[C>G]CCAGAGGCGAACTTCACTGACAGCACCACCCAGAGCTGCACTCATTCCCGGCACAACATC-3'
Protein context (NP_003898.2, residues 312-332): DVIRRWVYPL[Thr322=]PEANFTDSTT